The following is an entry in ClinVar:

ClinVar aggregate classification (germline): Conflicting classifications of pathogenicity. Review status: criteria provided, conflicting classifications (1 of 4 stars). 5 submissions from 5 submitters: Uncertain significance (1); Likely benign (4). Last evaluated 2026-05-26.

Conditions:
Gastrointestinal stromal tumor. Also called: Gastrointestinal stromal tumor, somatic; Gastrointestinal stroma tumor. Identifiers: Orphanet 44890, MedGen C0238198, MeSH D046152, MONDO:0011719, OMIM 606764, HP:0100723.
KIT-related disorder. Also called: KIT-related condition.

Allele frequency attached by ClinVar (database versions not stated): ExAC 0.00001; gnomAD 0.00001 and 0.00003; gnomAD exomes 0.00001; TOPMed 0.00003.
gnomAD v4.1: 16 of 1,613,954 alleles (0.00099%); highest among the groups gnomAD compares: Middle Eastern, 0.033%; no homozygotes.

Submissions (5):

Myriad Genetics, Inc.
Classification: Likely benign for Gastrointestinal stromal tumor. Last evaluated: 2026-05-26. Review status: criteria provided, single submitter. Criteria: Myriad Autosomal Dominant, Autosomal Recessive and X-Linked Classification Criteria (2023). Collection method: clinical testing. Allele origin: unknown.
Comment: This variant is considered likely benign. This variant is intronic and is not expected to impact mRNA splicing. This variant has been observed at a population frequency that is significantly greater than expected given the associated disease prevalence and penetrance.

CeGaT Center for Human Genetics Tuebingen
Classification: Likely benign. Last evaluated: 2026-02-01. Review status: criteria provided, single submitter. Criteria: CeGaT Center For Human Genetics Tuebingen Variant Classification Criteria Version 2. Collection method: clinical testing. Allele origin: germline. Affected: yes. Observed: 1 variant allele.
Comment: KIT: BP4

Labcorp Genetics (formerly Invitae), Labcorp
Classification: Likely benign for Gastrointestinal stromal tumor. Last evaluated: 2026-01-11. Review status: criteria provided, single submitter. Criteria: Invitae Variant Classification Sherloc (09022015). Collection method: clinical testing. Allele origin: germline.

PreventionGenetics, part of Exact Sciences
Classification: Likely benign for KIT-related condition. Last evaluated: 2025-09-29. Review status: criteria provided, single submitter. Criteria: ACMG Guidelines, 2015. Collection method: clinical testing. Allele origin: germline.
Comment: This variant is classified as likely benign based on ACMG/AMP sequence variant interpretation guidelines (Richards et al. 2015 PMID: 25741868, with internal and published modifications).

GeneDx
Classification: Uncertain significance. Last evaluated: 2023-06-23. Review status: criteria provided, single submitter. Criteria: GeneDx Variant Classification Process June 2021. Collection method: clinical testing. Allele origin: germline. Affected: yes.
Comment: Not observed at significant frequency in large population cohorts (gnomAD); In silico analysis supports that this variant does not alter splicing; Has not been previously published as pathogenic or benign to our knowledge

NM_000222.3(KIT):c.68-8C>G

Gene: KIT (KIT proto-oncogene, receptor tyrosine kinase; plus strand). Cytogenetic location: 4q12.
Variant type: single nucleotide variant.
Coding change: c.68-8C>G on transcript NM_000222.3 (MANE Select); 8 bases into the intron before coding-DNA position 68, C replaced by G.
Molecular consequence: intron variant.
Genome position (GRCh38, 1-based): chr4:54,695,504, C>G. VCF-style: chr4-54695504-C-G. GRCh37 (hg19) VCF-style: chr4-55561670-C-G.
Other names: c.68-8C>G (NM_001385284.1, NM_001385290.1, NM_001385288.1 and 4 more transcripts).
Identifiers: ClinVar variation 580663 (VCV000580663.24), dbSNP rs776271778, ClinGen allele CA2923150.